The following is an entry in ClinVar:

ClinVar aggregate classification (germline): Uncertain significance (1 of 4 stars; one submission).

Allele frequency attached by ClinVar (database versions not stated): gnomAD 0.00001; ExAC 0.00002; ESP Exome Variant Server 0.00008.
gnomAD v4.1: 10 of 1,613,778 alleles (0.00062%); highest among the groups gnomAD compares: African/African-American, 0.0013%; no homozygotes.

Submission:

Labcorp Genetics (formerly Invitae), Labcorp
Classification: Uncertain significance. Last evaluated: 2025-08-05. Review status: criteria provided, single submitter. Criteria: Invitae Variant Classification Sherloc (09022015). Collection method: clinical testing. Allele origin: germline.
Comment: This sequence change replaces serine, which is neutral and polar, with asparagine, which is neutral and polar, at codon 509 of the ERBB4 protein (p.Ser509Asn). This variant is present in population databases (rs376154931, gnomAD 0.007%). This variant has not been reported in the literature in individuals affected with ERBB4-related conditions. ClinVar contains an entry for this variant (Variation ID: 1897692). Invitae Evidence Modeling of protein sequence and biophysical properties (such as structural, functional, and spatial information, amino acid conservation, physicochemical variation, residue mobility, and thermodynamic stability) indicates that this missense variant is not expected to disrupt ERBB4 protein function with a negative predictive value of 80%. In summary, the available evidence is currently insufficient to determine the role of this variant in disease. Therefore, it has been classified as a Variant of Uncertain Significance.

NM_005235.3(ERBB4):c.1526G>A (p.Ser509Asn)

Gene: ERBB4 (erb-b2 receptor tyrosine kinase 4; minus strand). Cytogenetic location: 2q34.
Variant type: single nucleotide variant.
Coding change: c.1526G>A on transcript NM_005235.3 (MANE Select); coding-DNA position 1526, G replaced by A.
Protein change: p.Ser509Asn; replaces serine 509 with asparagine.
Molecular consequence: missense variant.
Genome position (GRCh38, 1-based): chr2:211,679,148, C>T on the plus strand (G>A on the coding strand, the complement: ERBB4 is on the minus strand). VCF-style: chr2-211679148-C-T. GRCh37 (hg19) VCF-style: chr2-212543873-C-T.
Other names: c.1526G>A, p.Ser509Asn (NM_001042599.2); short protein forms S509N.
Identifiers: ClinVar variation 1897692 (VCV001897692.5), dbSNP rs376154931, ClinGen allele CA2088107.